The following continues an entry in ClinVar:

NM_000089.4(COL1A2):c.3034G>A (p.Gly1012Ser)

Gene: COL1A2. ClinVar aggregate classification (germline): Pathogenic/Likely pathogenic. Pathogenic (11); Likely pathogenic (2).

Submissions 9 to 15 of 15:

Fulgent Genetics
Classification: Pathogenic for Osteogenesis imperfecta, perinatal lethal; Osteogenesis imperfecta with normal sclerae, dominant form; Osteoporosis; Ehlers-Danlos syndrome, cardiac valvular type; Osteogenesis imperfecta type III; Ehlers-Danlos syndrome, arthrochalasia type, 2. Last evaluated: 2018-10-31. Review status: criteria provided, single submitter. Criteria: ACMG Guidelines, 2015. Collection method: clinical testing. Allele origin: unknown.

Shenzhen Institute of Pediatrics, Shenzhen Children's Hospital
Classification: Likely pathogenic for Osteogenesis imperfecta, perinatal lethal. Last evaluated: 2017-09-04. Review status: criteria provided, single submitter. Criteria: ACMG Guidelines, 2015. Collection method: clinical testing. Allele origin: de novo. Inheritance: Autosomal dominant inheritance. Affected: yes.
Comment: The mutation of c.3034G>A p.(Gly1012Ser) is de novo.

Clinical Genetics and Genomics, Karolinska University Hospital
Classification: Pathogenic. Last evaluated: 2014-12-02. Review status: criteria provided, single submitter. Criteria: ACMG Guidelines, 2015. Collection method: clinical testing. Allele origin: germline. Affected: yes. Observed: 1 variant allele.

UCLA Clinical Genomics Center, UCLA
Classification: Likely pathogenic for Osteogenesis imperfecta, recessive perinatal lethal; Osteogenesis imperfecta type III; Osteogenesis imperfecta with normal sclerae, dominant form. Last evaluated: 2013-11-05. Review status: criteria provided, single submitter. Criteria: Lee et al. (JAMA. 2014). Collection method: clinical testing. Allele origin: unknown. Inheritance: Autosomal dominant inheritance. Affected: yes. Study: CES.

Juno Genomics, Hangzhou Juno Genomics, Inc
Classification: Pathogenic for Osteogenesis imperfecta, perinatal lethal; Osteogenesis imperfecta type III; Osteogenesis imperfecta with normal sclerae, dominant form. Review status: criteria provided, single submitter. Criteria: ACMG Guidelines, 2015. Collection method: clinical testing. Allele origin: germline. Affected: yes.
Comment: Absent from controls (or at extremely low frequency if recessive) in Genome Aggregation Database.;Multiple lines of computational evidence support a deleterious effect on the gene or gene product.;Missense variant in a gene that has a low rate of benign missense variation.;The prevalence of the variant in affected individuals is significantly increased compared to the prevalence in controls.;De novo (both maternity and paternity confirmed) in a patient with the disease and no family history.;Patient's phenotype or family history is highly specific for a disease with a single genetic etiology.

Baylor Genetics
Classification: Pathogenic for osteogenesis imperfecta. Last evaluated: 2018-11-18. Review status: no assertion criteria provided. Collection method: clinical testing. Allele origin: germline. Affected: yes. Not counted in ClinVar's aggregate classification.

Department of Medical Sciences, Uppsala University
Classification: Pathogenic for OI type IV. Review status: no assertion criteria provided. Collection method: clinical testing. Allele origin: unknown. Affected: yes. Observed: 1 variant allele. Not counted in ClinVar's aggregate classification.

Literature cited by the submitters: PubMed 25944380 (cited by Clinical Biomedical Laboratory, Shriners Hospital For Children - Canada and Department of Medical Sciences, Uppsala University); PubMed 27509835 (cited by Clinical Biomedical Laboratory, Shriners Hospital For Children - Canada); PubMed 8094076 (cited by Labcorp Genetics (formerly Invitae), Labcorp); PubMed 16705691 (cited by Labcorp Genetics (formerly Invitae), Labcorp); PubMed 22589248 (cited by Labcorp Genetics (formerly Invitae), Labcorp); PubMed 25450603 (cited by Labcorp Genetics (formerly Invitae), Labcorp); PubMed 27519266 (cited by Labcorp Genetics (formerly Invitae), Labcorp); PubMed 7695699 (cited by Labcorp Genetics (formerly Invitae), Labcorp); PubMed 8218237 (cited by Labcorp Genetics (formerly Invitae), Labcorp); PubMed 19344236 (cited by Labcorp Genetics (formerly Invitae), Labcorp); PubMed 9016532 (cited by Labcorp Genetics (formerly Invitae), Labcorp); PubMed 17078022 (cited by Labcorp Genetics (formerly Invitae), Labcorp); PubMed 12362985 (cited by Victorian Clinical Genetics Services, Murdoch Childrens Research Institute); PubMed 20301472 (cited by Victorian Clinical Genetics Services, Murdoch Childrens Research Institute); PubMed 31218159 (cited by Victorian Clinical Genetics Services, Murdoch Childrens Research Institute); PubMed 32166892 (cited by Victorian Clinical Genetics Services, Murdoch Childrens Research Institute); PubMed 33939306 (cited by Victorian Clinical Genetics Services, Murdoch Childrens Research Institute); PubMed 35052464 (cited by Victorian Clinical Genetics Services, Murdoch Childrens Research Institute); PubMed 36951356 (cited by Victorian Clinical Genetics Services, Murdoch Childrens Research Institute).